The following is an entry in ClinVar:

ClinVar aggregate classification (germline): Uncertain significance (1 of 4 stars; one submission).

Conditions:
Cardiovascular phenotype. Identifiers: MedGen CN230736.

Submission:

Ambry Genetics
Classification: Uncertain significance for Cardiovascular phenotype. Last evaluated: 2023-06-14. Review status: criteria provided, single submitter. Criteria: Ambry Variant Classification Scheme 2023. Collection method: clinical testing. Allele origin: germline.
Comment: The p.I1792V variant (also known as c.5374A>G), located in coding exon 34 of the MYH6 gene, results from an A to G substitution at nucleotide position 5374. The isoleucine at codon 1792 is replaced by valine, an amino acid with highly similar properties. This amino acid position is conserved. In addition, this alteration is predicted to be tolerated by in silico analysis. Since supporting evidence is limited at this time, the clinical significance of this alteration remains unclear.

NM_002471.4(MYH6):c.5374A>G (p.Ile1792Val)

Gene: MYH6 (myosin heavy chain 6; minus strand). Cytogenetic location: 14q11.2.
Variant type: single nucleotide variant.
Coding change: c.5374A>G on transcript NM_002471.4 (MANE Select); coding-DNA position 5374, A replaced by G.
Protein change: p.Ile1792Val; replaces isoleucine 1792 with valine.
Molecular consequence: missense variant.
Genome position (GRCh38, 1-based): chr14:23,384,633, T>C on the plus strand (A>G on the coding strand, the complement: MYH6 is on the minus strand). VCF-style: chr14-23384633-T-C. GRCh37 (hg19) VCF-style: chr14-23853842-T-C.
Other names: short protein forms I1792V.
Identifiers: ClinVar variation 2567220 (VCV002567220.2), dbSNP rs1218605343, ClinGen allele CA388985030.